The following is an entry in ClinVar:

ClinVar aggregate classification (germline): Benign. Review status: criteria provided, multiple submitters, no conflicts (2 of 4 stars). 3 submissions from 3 submitters: Benign (2). 1 of the submissions does not count toward it. Last evaluated 2026-02-03.

Conditions:
KPNA7-related disorder. Also called: KPNA7-related condition.

Allele frequency attached by ClinVar (database versions not stated): gnomAD exomes 0.00051 and 0.00107; ExAC 0.00240; ESP Exome Variant Server 0.00569; gnomAD 0.00598 and 0.00641; TOPMed 0.00655; 1000 Genomes Project 0.00799; 1000 Genomes Project 30x 0.00921.
gnomAD v4.1: 1,647 of 1,547,248 alleles (0.11%); highest among the groups gnomAD compares: African/African-American, 2%; 22 homozygotes.

Submissions (6):

Labcorp Genetics (formerly Invitae), Labcorp
Classification: Benign. Last evaluated: 2026-02-03. Review status: criteria provided, single submitter. Criteria: Invitae Variant Classification Sherloc (09022015). Collection method: clinical testing. Allele origin: germline.

Breakthrough Genomics
Classification: Benign. Review status: criteria provided, single submitter. Criteria: ACMG Guidelines, 2015. Collection method: not provided. Allele origin: germline. Inheritance: Unknown mechanism. Affected: yes.

PreventionGenetics, part of Exact Sciences
Classification: Benign for KPNA7-related condition. Last evaluated: 2024-06-24. Review status: no assertion criteria provided. Collection method: clinical testing. Allele origin: germline. Not counted in ClinVar's aggregate classification.
Comment: This variant is classified as benign based on ACMG/AMP sequence variant interpretation guidelines (Richards et al. 2015 PMID: 25741868, with internal and published modifications).

Dr. Peter K. Rogan Lab, Western University
No classification provided (evidence only). Condition: Familial cancer of breast. Review status: no classification provided. Collection method: in vitro. Allele origin: not applicable. Functional consequence: retained intron. Not counted in ClinVar's aggregate classification.

Dr. Peter K. Rogan Lab, Western University
No classification provided (evidence only). Condition: Familial cancer of breast. Review status: no classification provided. Collection method: in vitro. Allele origin: not applicable. Functional consequence: retained intron. Not counted in ClinVar's aggregate classification.

Dr. Peter K. Rogan Lab, Western University
No classification provided (evidence only). Condition: Hepatocellular carcinoma. Review status: no classification provided. Collection method: in vitro. Allele origin: not applicable. Functional consequence: retained intron. Not counted in ClinVar's aggregate classification.

NM_001145715.3(KPNA7):c.901A>T (p.Thr301Ser)

Gene: KPNA7 (karyopherin subunit alpha 7; minus strand). Cytogenetic location: 7q22.1.
Variant type: single nucleotide variant.
Coding change: c.901A>T on transcript NM_001145715.3 (MANE Select); coding-DNA position 901, A replaced by T.
Protein change: p.Thr301Ser; replaces threonine 301 with serine.
Molecular consequence: missense variant.
Genome position (GRCh38, 1-based): chr7:99,185,162, T>A on the plus strand (A>T on the coding strand, the complement: KPNA7 is on the minus strand). VCF-style: chr7-99185162-T-A. GRCh37 (hg19) VCF-style: chr7-98782785-T-A.
Other names: c.901A>T (NM_001145715.2); short protein forms T301S.
Identifiers: ClinVar variation 415823 (VCV000415823.15), dbSNP rs147552597, ClinGen allele CA4363164.